The following is an entry in ClinVar:

ClinVar aggregate classification (germline): Conflicting classifications of pathogenicity. Review status: criteria provided, conflicting classifications (1 of 4 stars). 7 submissions from 7 submitters: Uncertain significance (6); Likely benign (1). Last evaluated 2025-07-29.

Conditions:
Inborn genetic diseases. Identifiers: MedGen C0950123, MeSH D030342.
Combined immunodeficiency due to LRBA deficiency. Also called: Common variable immunodeficiency 8, with autoimmunity. Identifiers: Orphanet 445018, MedGen C3553512, MONDO:0013863, OMIM 614700.

Allele frequency attached by ClinVar (database versions not stated): ESP Exome Variant Server 0.00015; gnomAD exomes 0.00020 and 0.00023; ExAC 0.00021; gnomAD 0.00026 and 0.00027; TOPMed 0.00032.
gnomAD v4.1: 343 of 1,614,138 alleles (0.021%); highest among the groups gnomAD compares: Middle Eastern, 0.35%; no homozygotes.

Submissions (7):

Mayo Clinic Laboratories, Mayo Clinic
Classification: Uncertain significance. Last evaluated: 2025-07-29. Review status: criteria provided, single submitter. Criteria: ACMG Guidelines, 2015. Collection method: clinical testing. Allele origin: germline. Observed: 4 variant alleles.
Comment: BP4_moderate

St. Jude Molecular Pathology, St. Jude Children's Research Hospital
Classification: Uncertain significance for Combined immunodeficiency due to LRBA deficiency. Last evaluated: 2025-02-05. Review status: criteria provided, single submitter. Criteria: St. Jude Assertion Criteria 2020. Collection method: clinical testing. Allele origin: germline.
Comment: The LRBA c.3499A>G (p.Thr1167Ala) missense change has a maximum subpopulation frequency of 0.06% in gnomAD v2.1.1. The in silico tool REVEL predicts a benign effect on protein function, but to our knowledge this prediction has not been confirmed by functional studies. To our knowledge, this variant has not been reported in individuals LRBA-related disease. In summary, the evidence currently available is insufficient to determine the clinical significance of this variant. It has therefore been classified as of uncertain significance.

Blueprint Genetics
Classification: Uncertain significance. Last evaluated: 2024-09-21. Review status: criteria provided, single submitter. Criteria: ACMG Guidelines, 2015. Collection method: clinical testing. Allele origin: germline.

3billion
Classification: Likely benign for Combined immunodeficiency due to LRBA deficiency. Last evaluated: 2024-09-20. Review status: criteria provided, single submitter. Criteria: ACMG Guidelines, 2015. Collection method: clinical testing. Allele origin: germline. Affected: no.
Comment: The homozygous variant was found in patients diagnosed with another variant in a different gene, with no symptoms related to the gene containing the homozygous variant.

Labcorp Genetics (formerly Invitae), Labcorp
Classification: Uncertain significance for Combined immunodeficiency due to LRBA deficiency. Last evaluated: 2022-10-27. Review status: criteria provided, single submitter. Criteria: Invitae Variant Classification Sherloc (09022015). Collection method: clinical testing. Allele origin: germline.
Comment: This sequence change replaces threonine, which is neutral and polar, with alanine, which is neutral and non-polar, at codon 1167 of the LRBA protein (p.Thr1167Ala). This variant is present in population databases (rs146297781, gnomAD 0.06%). This variant has not been reported in the literature in individuals affected with LRBA-related conditions. ClinVar contains an entry for this variant (Variation ID: 218543). Advanced modeling of protein sequence and biophysical properties (such as structural, functional, and spatial information, amino acid conservation, physicochemical variation, residue mobility, and thermodynamic stability) performed at Invitae indicates that this missense variant is not expected to disrupt LRBA protein function. In summary, the available evidence is currently insufficient to determine the role of this variant in disease. Therefore, it has been classified as a Variant of Uncertain Significance.

Ambry Genetics
Classification: Uncertain significance for Inborn genetic diseases. Last evaluated: 2021-09-16. Review status: criteria provided, single submitter. Criteria: Ambry Variant Classification Scheme 2023. Collection method: clinical testing. Allele origin: germline.

Genomic Diagnostic Laboratory, Division of Genomic Diagnostics, Children's Hospital of Philadelphia
Classification: Uncertain significance. Last evaluated: 2015-07-10. Review status: criteria provided, single submitter. Criteria: DGD Variant Analysis Guidelines. Collection method: clinical testing. Allele origin: unknown.

NM_001364905.1(LRBA):c.3499A>G (p.Thr1167Ala)

Gene: LRBA (LPS responsive beige-like anchor protein; minus strand). Cytogenetic location: 4q31.3.
Variant type: single nucleotide variant.
Coding change: c.3499A>G on transcript NM_001364905.1 (MANE Select); coding-DNA position 3499, A replaced by G.
Protein change: p.Thr1167Ala; replaces threonine 1167 with alanine.
Molecular consequence: missense variant.
Genome position (GRCh38, 1-based): chr4:150,852,211, T>C on the plus strand (A>G on the coding strand, the complement: LRBA is on the minus strand). VCF-style: chr4-150852211-T-C. GRCh37 (hg19) VCF-style: chr4-151773363-T-C.
Other names: p.Thr1167Ala; c.3499A>G, p.Thr1167Ala (NM_001199282.3, NM_001367550.1, NM_006726.5); short protein forms T1167A.
Identifiers: ClinVar variation 218543 (VCV000218543.12), dbSNP rs146297781, ClinGen allele CA248986.